The following is an entry in ClinVar:

NM_024685.4(BBS10):c.1250C>T (p.Ala417Val)

Gene: BBS10 (Bardet-Biedl syndrome 10; minus strand). Cytogenetic location: 12q21.2.
Variant type: single nucleotide variant.
Coding change: c.1250C>T on transcript NM_024685.4 (MANE Select); coding-DNA position 1250, C replaced by T.
Protein change: p.Ala417Val; replaces alanine 417 with valine.
Molecular consequence: missense variant.
Genome position (GRCh38, 1-based): chr12:76,346,735, G>A on the plus strand (C>T on the coding strand, the complement: BBS10 is on the minus strand). VCF-style: chr12-76346735-G-A. GRCh37 (hg19) VCF-style: chr12-76740515-G-A.
Other names: c.1250C>T, p.Ala417Val (LRG_1255t1); short protein forms A417V.
Identifiers: ClinVar variation 552931 (VCV000552931.56), dbSNP rs537219462, ClinGen allele CA385812004.
Genomic context (GRCh38, chr12:76,346,735, plus strand): 5'-TTGGTTTGTGTCATGTAATTTAGATCAAGGTCTTTAAATAATTGCCGAAGCATTTTAAGT[G>A]CTCCATGTAAAGCATCCTCATGTTGTTCAATGAGACCATGCACTGGTCCACAAAGAACTA-3'
Protein context (NP_078961.3, residues 407-427): IEQHEDALHG[Ala417Val]LKMLRQLFKD

ClinVar aggregate classification (germline): Conflicting classifications of pathogenicity. Review status: criteria provided, conflicting classifications (1 of 4 stars). 6 submissions from 6 submitters: Pathogenic (2); Likely pathogenic (3); Uncertain significance (1). Last evaluated 2026-01-12.

Conditions:
Bardet-Biedl syndrome 10 (BBS10). Identifiers: Orphanet 110, MedGen C1859568, MONDO:0014438, OMIM 615987.
BBS10-related disorder. Also called: BBS10-related condition.
Bardet-Biedl syndrome (BBS). Identifiers: Orphanet 110, MedGen C0752166, MONDO:0015229.

gnomAD v4.1: 4 of 1,614,098 alleles (0.00025%); highest among the groups gnomAD compares: Non-Finnish European, 0.00025%; no homozygotes.

Submissions (6):

Natera, Inc.
Classification: Likely pathogenic for Bardet-Biedl syndrome type 10. Last evaluated: 2026-01-12. Review status: criteria provided, single submitter. Criteria: Natera Variant Classification Schema (03/2026). Collection method: clinical testing. Allele origin: germline.
Comment: The c.1250C>T variant in BBS10 is a missense variant predicted to cause substitution of alanine to valine at amino acid 417. This variant is rare in the general population with a frequency below the threshold expected for the associated phenotype(s). This variant has been observed in one or more individuals affected with the associated recessive disease, as either homozygous or compound heterozygous with a second variant (PMID: 21052717, 32531858). A different variant at the same position has been determined to be Pathogenic or Likely Pathogenic. Computational prediction algorithms indicate this variant is likely to affect gene or protein function. Given the available evidence, this variant is classified as Likely Pathogenic.

Labcorp Genetics (formerly Invitae), Labcorp
Classification: Pathogenic for Bardet-Biedl syndrome. Last evaluated: 2025-12-02. Review status: criteria provided, single submitter. Criteria: Invitae Variant Classification Sherloc (09022015). Collection method: clinical testing. Allele origin: germline.
Comment: This sequence change replaces alanine, which is neutral and non-polar, with valine, which is neutral and non-polar, at codon 417 of the BBS10 protein (p.Ala417Val). This variant is not present in population databases (gnomAD no frequency). This missense change has been observed in individual(s) with Bardet-Biedl syndrome and/or inherited retinal degeneration (PMID: 21052717, 32531858). ClinVar contains an entry for this variant (Variation ID: 552931). Invitae Evidence Modeling of protein sequence and biophysical properties (such as structural, functional, and spatial information, amino acid conservation, physicochemical variation, residue mobility, and thermodynamic stability) indicates that this missense variant is expected to disrupt BBS10 protein function with a positive predictive value of 80%. This variant disrupts the p.Ala417 amino acid residue in BBS10. Other variant(s) that disrupt this residue have been determined to be pathogenic (PMID: 29806606). This suggests that this residue is clinically significant, and that variants that disrupt this residue are likely to be disease-causing. For these reasons, this variant has been classified as Pathogenic.

Fulgent Genetics
Classification: Likely pathogenic for Bardet-Biedl syndrome 10. Last evaluated: 2024-03-15. Review status: criteria provided, single submitter. Criteria: ACMG Guidelines, 2015. Collection method: clinical testing. Allele origin: germline.

Blueprint Genetics
Classification: Likely pathogenic for BBS10-related disorders. Last evaluated: 2022-01-25. Review status: criteria provided, single submitter. Criteria: ACMG Guidelines, 2015. Collection method: clinical testing. Allele origin: germline. Affected: yes. Observed: 1 variant allele.

Myriad Genetics, Inc.
Classification: Uncertain significance for Bardet-Biedl syndrome 10. Last evaluated: 2021-11-08. Review status: criteria provided, single submitter. Criteria: Myriad Women's Health Autosomal Recessive and X-Linked Classification Criteria (2021). Collection method: clinical testing. Allele origin: unknown.
Comment: NM_024685.3(BBS10):c.1250C>T(A417V) is a missense variant classified as a variant of uncertain significance in the context of Bardet-Biedl syndrome, BBS10-related. A417V has been observed in cases with relevant disease (PMID: 32531858, 21052717). Functional assessments of this variant are not available in the literature. A417V has not been observed in population frequency databases. In summary, there is insufficient evidence to classify NM_024685.3(BBS10):c.1250C>T(A417V) as pathogenic or benign. Please note: this variant was assessed in the context of healthy population screening.

CeGaT Center for Human Genetics Tuebingen
Classification: Pathogenic. Last evaluated: 2017-01-01. Review status: criteria provided, single submitter. Criteria: CeGaT Center For Human Genetics Tuebingen Variant Classification Criteria Version 2. Collection method: clinical testing. Allele origin: germline. Affected: yes. Observed: 1 variant allele.

Literature cited by the submitters: PubMed 21052717 (cited by 3 submitters); PubMed 32531858 (cited by 3 submitters); PubMed 29806606 (cited by Labcorp Genetics (formerly Invitae), Labcorp).